The following is an entry in ClinVar:

NM_015021.3(ZNF292):c.1805C>G (p.Ala602Gly)

Gene: ZNF292 (zinc finger protein 292; plus strand). Cytogenetic location: 6q14.3.
Variant type: single nucleotide variant.
Coding change: c.1805C>G on transcript NM_015021.3 (MANE Select); coding-DNA position 1805, C replaced by G.
Protein change: p.Ala602Gly; replaces alanine 602 with glycine.
Molecular consequence: missense variant.
Genome position (GRCh38, 1-based): chr6:87,255,434, C>G. VCF-style: chr6-87255434-C-G. GRCh37 (hg19) VCF-style: chr6-87965152-C-G.
Other names: c.1385C>G, p.Ala462Gly (NM_001351444.2); short protein forms A462G, A602G.
Identifiers: ClinVar variation 3384421 (VCV003384421.2).

ClinVar aggregate classification (germline): Uncertain significance (1 of 4 stars; one submission).

Submission:

GeneDx
Classification: Uncertain significance. Last evaluated: 2025-10-07. Review status: criteria provided, single submitter. Criteria: GeneDx Variant Classification Process June 2021. Collection method: clinical testing. Allele origin: germline.
Comment: Not observed at significant frequency in large population cohorts (gnomAD); In silico analysis supports that this missense variant has a deleterious effect on protein structure/function; Has not been previously published as pathogenic or benign to our knowledge